The following is an entry in ClinVar:

ClinVar aggregate classification (germline): Likely benign (1 of 4 stars; one submission).

Conditions:
Catecholaminergic polymorphic ventricular tachycardia (CVPT). Also called: Catecholamine-induced polymorphic ventricular tachycardia. Identifiers: Orphanet 3286, MedGen C5574922, MONDO:0017990.

gnomAD v4.1: 1 of 1,603,044 alleles (0.000062%); highest among the groups gnomAD compares: East Asian, 0.0022%; no homozygotes.

Submission:

All of Us Research Program, National Institutes of Health
Classification: Likely benign for Catecholaminergic polymorphic ventricular tachycardia. Last evaluated: 2023-08-15. Review status: criteria provided, single submitter. Criteria: ACMG Guidelines, 2015. Collection method: clinical testing. Allele origin: germline. Inheritance: Autosomal dominant inheritance. Observed: 1 variant allele, 1 heterozygote.
Comment: This study involves interpretation of variants in research participants for the purpose of population health screening. Participant phenotype was not available at the time of variant classification. Additional details can be found in publication PMID: 35346344, PMCID: PMC8962531

NM_001035.3(RYR2):c.9426C>A (p.Thr3142=)

Gene: RYR2 (ryanodine receptor 2; plus strand). Cytogenetic location: 1q43.
Variant type: single nucleotide variant.
Coding change: c.9426C>A on transcript NM_001035.3 (MANE Select); coding-DNA position 9426, C replaced by A.
Protein change: p.Thr3142=; no amino-acid change (threonine 3142 retained).
Molecular consequence: synonymous variant.
Genome position (GRCh38, 1-based): chr1:237,702,036, C>A. VCF-style: chr1-237702036-C-A. GRCh37 (hg19) VCF-style: chr1-237865336-C-A.
Identifiers: ClinVar variation 3072742 (VCV003072742.1), dbSNP rs2547374822, ClinGen allele CA423818899.